The following is an entry in ClinVar:

NM_194248.3(OTOF):c.2580C>A (p.Val860=)

Gene: OTOF (otoferlin; minus strand). Cytogenetic location: 2p23.3.
Variant type: single nucleotide variant.
Coding change: c.2580C>A on transcript NM_194248.3 (MANE Select); coding-DNA position 2580, C replaced by A.
Protein change: p.Val860=; no amino-acid change (valine 860 retained).
Molecular consequence: synonymous variant.
Genome position (GRCh38, 1-based): chr2:26,476,987, G>T on the plus strand (C>A on the coding strand, the complement: OTOF is on the minus strand). VCF-style: chr2-26476987-G-T. GRCh37 (hg19) VCF-style: chr2-26699855-G-T.
Other names: c.2580C>A, p.Val860= (NM_001287489.2); c.339C>A, p.Val113= (NM_004802.4, NM_194323.3); c.510C>A, p.Val170= (NM_194322.3).
Identifiers: ClinVar variation 684145 (VCV000684145.1), dbSNP rs2272069, ClinGen allele CA425359930.
Genomic context (GRCh38, chr2:26,476,987, plus strand): 5'-GCCAGTCTCCTCCTCCACGATGGAGAAGAGCAGGTCCTTGGAGGGCACACGGGCATAGGC[G>T]ACACGCTTGTTGTTGCTCATCATCCAGATGAAGATGTCGGGAATGCTGTGCTGGGGCTGG-3'
Protein context (NP_919224.1, residues 850-870): FIWMMSNNKR[Val860=]AYARVPSKDL

ClinVar aggregate classification (germline): Likely benign (1 of 4 stars; one submission).

Submission:

GeneDx
Classification: Likely benign. Last evaluated: 2018-05-03. Review status: criteria provided, single submitter. Criteria: GeneDx Variant Classification (06012015). Collection method: clinical testing. Allele origin: germline. Affected: yes.
Comment: This variant is considered likely benign or benign based on one or more of the following criteria: it is a conservative change, it occurs at a poorly conserved position in the protein, it is predicted to be benign by multiple in silico algorithms, and/or has population frequency not consistent with disease.